The following is an entry in ClinVar:

ClinVar aggregate classification (germline): Benign/Likely benign. Review status: criteria provided, multiple submitters, no conflicts (2 of 4 stars). 7 submissions from 7 submitters: Benign (4); Likely benign (1). 2 of the submissions do not count toward it. Last evaluated 2026-01-27.

Allele frequency attached by ClinVar (database versions not stated): 1000 Genomes Project 0.00599; 1000 Genomes Project 30x 0.00640; ExAC 0.00679; gnomAD 0.01041 and 0.01098; TOPMed 0.01111; ESP Exome Variant Server 0.01315.
gnomAD v4.1: 21,125 of 1,549,754 alleles (1.4%); highest among the groups gnomAD compares: Non-Finnish European, 1.7%; 200 homozygotes.

Submissions (7):

Labcorp Genetics (formerly Invitae), Labcorp
Classification: Benign. Last evaluated: 2026-01-27. Review status: criteria provided, single submitter. Criteria: Invitae Variant Classification Sherloc (09022015). Collection method: clinical testing. Allele origin: germline.

ARUP Laboratories, Molecular Genetics and Genomics, ARUP Laboratories
Classification: Benign. Last evaluated: 2025-04-09. Review status: criteria provided, single submitter. Criteria: ARUP Molecular Germline Variant Investigation Process 2024. Collection method: clinical testing. Allele origin: germline.

Mayo Clinic Laboratories, Mayo Clinic
Classification: Likely benign. Last evaluated: 2025-01-03. Review status: criteria provided, single submitter. Criteria: ACMG Guidelines, 2015. Collection method: clinical testing. Allele origin: germline. Observed: 56 variant alleles.
Comment: BS1, BP4, BP7

CeGaT Center for Human Genetics Tuebingen
Classification: Benign. Last evaluated: 2023-03-01. Review status: criteria provided, single submitter. Criteria: CeGaT Center For Human Genetics Tuebingen Variant Classification Criteria Version 2. Collection method: clinical testing. Allele origin: germline. Affected: yes. Observed: 4 variant alleles.
Comment: PIEZO1: BP4, BP7, BS1, BS2

Breakthrough Genomics
Classification: Benign. Review status: criteria provided, single submitter. Criteria: ACMG Guidelines, 2015. Collection method: not provided. Allele origin: germline. Inheritance: Autosomal recessive inheritance. Affected: yes.

Clinical Genetics, Academic Medical Center
Classification: Benign. Review status: no assertion criteria provided. Collection method: clinical testing. Allele origin: germline. Affected: yes. Study: VKGL Data-share Consensus. Not counted in ClinVar's aggregate classification.

Laboratory of Diagnostic Genome Analysis, Leiden University Medical Center (LUMC)
Classification: Benign. Review status: no assertion criteria provided. Collection method: clinical testing. Allele origin: germline. Affected: yes. Study: VKGL Data-share Consensus. Not counted in ClinVar's aggregate classification.

NM_001142864.4(PIEZO1):c.6963C>T (p.Asn2321=)

Gene: PIEZO1 (piezo type mechanosensitive ion channel component 1 (Er blood group); minus strand). Cytogenetic location: 16q24.3.
Variant type: single nucleotide variant.
Coding change: c.6963C>T on transcript NM_001142864.4 (MANE Select); coding-DNA position 6963, C replaced by T.
Protein change: p.Asn2321=; no amino-acid change (asparagine 2321 retained).
Molecular consequence: synonymous variant.
Genome position (GRCh38, 1-based): chr16:88,716,447, G>A on the plus strand (C>T on the coding strand, the complement: PIEZO1 is on the minus strand). VCF-style: chr16-88716447-G-A. GRCh37 (hg19) VCF-style: chr16-88782855-G-A.
Other names: p.Asn2321=; c.6963C>T, p.Asn2321= (LRG_1137t1).
Identifiers: ClinVar variation 618789 (VCV000618789.53), dbSNP rs35917730, ClinGen allele CA8231443.